The following is an entry in ClinVar:

ClinVar aggregate classification (germline): Uncertain significance (1 of 4 stars; one submission).

Conditions:
Joubert syndrome. Also called: CEREBELLOPARENCHYMAL DISORDER IV; JOUBERT-BOLTSHAUSER SYNDROME; Familial aplasia of the vermis. Identifiers: Orphanet 475, MedGen C5979921, MONDO:0018772.
Orofaciodigital syndrome I (OFD1). Also called: OFDS I; Papillon-Leage and Psaume Syndrome; Oral-Facial-Digital Syndrome Type I. Identifiers: Orphanet 2750, MedGen C1510460, MONDO:0010702, OMIM 311200.

Allele frequency attached by ClinVar (database versions not stated): gnomAD exomes 0.00002.
gnomAD v4.1: 11 of 1,200,564 alleles (0.00092%); highest among the groups gnomAD compares: Non-Finnish European, 0.0012%; no homozygotes.

Submission:

Labcorp Genetics (formerly Invitae), Labcorp
Classification: Uncertain significance for Orofaciodigital syndrome I; Joubert syndrome. Last evaluated: 2023-08-08. Review status: criteria provided, single submitter. Criteria: Invitae Variant Classification Sherloc (09022015). Collection method: clinical testing. Allele origin: germline.
Comment: In summary, the available evidence is currently insufficient to determine the role of this variant in disease. Therefore, it has been classified as a Variant of Uncertain Significance. This sequence change replaces lysine, which is basic and polar, with glutamine, which is neutral and polar, at codon 345 of the OFD1 protein (p.Lys345Gln). This variant is present in population databases (no rsID available, gnomAD 0.001%). This variant has not been reported in the literature in individuals affected with OFD1-related conditions. Advanced modeling of protein sequence and biophysical properties (such as structural, functional, and spatial information, amino acid conservation, physicochemical variation, residue mobility, and thermodynamic stability) performed at Invitae indicates that this missense variant is not expected to disrupt OFD1 protein function.

NM_003611.3(OFD1):c.1033A>C (p.Lys345Gln)

Gene: OFD1 (OFD1 centriole and centriolar satellite protein; plus strand). Cytogenetic location: Xp22.2.
Variant type: single nucleotide variant.
Coding change: c.1033A>C on transcript NM_003611.3 (MANE Select); coding-DNA position 1033, A replaced by C.
Protein change: p.Lys345Gln; replaces lysine 345 with glutamine.
Molecular consequence: missense variant. On other transcripts: intron variant (1).
Genome position (GRCh38, 1-based): chrX:13,751,346, A>C. VCF-style: chrX-13751346-A-C. GRCh37 (hg19) VCF-style: chrX-13769465-A-C.
Other names: c.613A>C, p.Lys205Gln (NM_001330210.2); c.935+1813A>C (NM_001330209.2); short protein forms K205Q, K345Q.
Identifiers: ClinVar variation 2950177 (VCV002950177.3), dbSNP rs1345693006, ClinGen allele CA412340075.